The following is an entry in ClinVar:

NC_012920.1(MT-CYB):m.15334C>T

Gene: MT-CYB (mitochondrially encoded cytochrome b; plus strand).
Variant type: single nucleotide variant.
Genome position: chrM-15334-C-T.
Identifiers: ClinVar variation 143882 (VCV000143882.3), dbSNP rs527236179, ClinGen allele CA170525.

ClinVar aggregate classification (germline): Benign. Review status: criteria provided, single submitter (1 of 4 stars). 2 submissions from 2 submitters: Benign (1). 1 of the submissions does not count toward it. Last evaluated 2022-05-04.

Conditions:
Ovarian neoplasm. Also called: Ovarian tumor; Neoplasm of ovary; Ovarian Neoplasms. Identifiers: MedGen C0919267, MeSH D010051, MONDO:0021068, HP:0100615.

Submissions (2):

Mendelics
Classification: Benign. Last evaluated: 2022-05-04. Review status: criteria provided, single submitter. Criteria: Mendelics Assertion Criteria 2019. Collection method: clinical testing. Allele origin: germline.

Department of Zoology Govt. MVM College
Classification: Likely pathogenic for Neoplasm of ovary. Review status: no assertion criteria provided. Collection method: not provided. Allele origin: unknown. Not counted in ClinVar's aggregate classification.
Comment: KM276952
ClinVar note: Converted during submission from probable-pathogenic to Likely pathogenic.